The following is an entry in ClinVar:

ClinVar aggregate classification (germline): Uncertain significance. Review status: criteria provided, multiple submitters, no conflicts (2 of 4 stars). 2 submissions from 2 submitters: Uncertain significance (2). Last evaluated 2025-10-01.

Conditions:
KLHL7-related disorder. Also called: KLHL7-related disorders; KLHL7-related condition.

Allele frequency attached by ClinVar (database versions not stated): gnomAD 0.00005 and 0.00006; gnomAD exomes 0.00006; TOPMed 0.00006; ExAC 0.00014.
gnomAD v4.1: 60 of 1,609,768 alleles (0.0037%); highest among the groups gnomAD compares: Middle Eastern, 0.017%; no homozygotes.

Submissions (2):

Labcorp Genetics (formerly Invitae), Labcorp
Classification: Uncertain significance. Last evaluated: 2025-10-01. Review status: criteria provided, single submitter. Criteria: Invitae Variant Classification Sherloc (09022015). Collection method: clinical testing. Allele origin: germline.
Comment: This sequence change replaces alanine, which is neutral and non-polar, with threonine, which is neutral and polar, at codon 2 of the KLHL7 protein (p.Ala2Thr). This variant is present in population databases (rs750030865, gnomAD 0.01%). This variant has not been reported in the literature in individuals affected with KLHL7-related conditions. ClinVar contains an entry for this variant (Variation ID: 970206). An algorithm developed to predict the effect of missense changes on protein structure and function (PolyPhen-2) suggests that this variant is likely to be disruptive. In summary, the available evidence is currently insufficient to determine the role of this variant in disease. Therefore, it has been classified as a Variant of Uncertain Significance.

PreventionGenetics, part of Exact Sciences
Classification: Uncertain significance for KLHL7-related condition. Last evaluated: 2025-07-10. Review status: criteria provided, single submitter. Criteria: ACMG Guidelines, 2015. Collection method: clinical testing. Allele origin: germline.
Comment: The KLHL7 c.4G>A variant is predicted to result in the amino acid substitution p.Ala2Thr. To our knowledge, this variant has not been reported in the literature. This variant is reported in 0.010% of alleles in individuals of European (Non-Finnish) descent in gnomAD. At this time, the clinical significance of this variant is uncertain due to the absence of conclusive functional and genetic evidence.

NM_001031710.3(KLHL7):c.4G>A (p.Ala2Thr)

Gene: KLHL7 (kelch like family member 7; plus strand). Cytogenetic location: 7p15.3.
Variant type: single nucleotide variant.
Coding change: c.4G>A on transcript NM_001031710.3 (MANE Select); coding-DNA position 4, G replaced by A.
Protein change: p.Ala2Thr; replaces alanine 2 with threonine.
Molecular consequence: missense variant. On other transcripts: non-coding transcript variant (2).
Genome position (GRCh38, 1-based): chr7:23,106,030, G>A. VCF-style: chr7-23106030-G-A. GRCh37 (hg19) VCF-style: chr7-23145649-G-A.
Other names: c.4G>A, p.Ala2Thr (NM_001172428.2); short protein forms A2T.
Identifiers: ClinVar variation 970206 (VCV000970206.11), dbSNP rs750030865, ClinGen allele CA4186210.
Genomic context (GRCh38, chr7:23,106,030, plus strand): 5'-GAGTGCGACCCCTCGCCCGGCCCGGCGAGCCCCGGGCGTGAACCGAGCTGAGGGAGGATG[G>A]CAGCCTCTGGGGTGGAGAAGAGCAGCAAGAAGAAGACCGAGAAGAAACTTGCTGCTCGGG-3'
Protein context (NP_001026880.2, residues 1-12): M[Ala2Thr]ASGVEKSSKK